The following is an entry in ClinVar:

NM_152743.4(BRAT1):c.28C>T (p.Pro10Ser)

Gene: BRAT1 (BRCA1 associated ATM activator 1; minus strand). Cytogenetic location: 7p22.3.
Variant type: single nucleotide variant.
Coding change: c.28C>T on transcript NM_152743.4 (MANE Select); coding-DNA position 28, C replaced by T.
Protein change: p.Pro10Ser; replaces proline 10 with serine.
Molecular consequence: missense variant. On other transcripts: 5 prime UTR variant (1), non-coding transcript variant (1).
Genome position (GRCh38, 1-based): chr7:2,554,404, G>A on the plus strand (C>T on the coding strand, the complement: BRAT1 is on the minus strand). VCF-style: chr7-2554404-G-A. GRCh37 (hg19) VCF-style: chr7-2594038-G-A.
Other names: c.28C>T, p.Pro10Ser (NM_001350626.2); c.-350C>T (NM_001350627.2); short protein forms P10S.
Identifiers: ClinVar variation 569411 (VCV000569411.11), dbSNP rs1562596957, ClinGen allele CA366633601.

ClinVar aggregate classification (germline): Uncertain significance. Review status: criteria provided, multiple submitters, no conflicts (2 of 4 stars). 2 submissions from 2 submitters: Uncertain significance (2). Last evaluated 2024-10-04.

Conditions:
Neonatal-onset encephalopathy with rigidity and seizures. Also called: Lethal neonatal spasticity-epileptic encephalopathy syndrome. Identifiers: Orphanet 435845, MedGen C3281029, MONDO:0013784, OMIM 614498.
Inborn genetic diseases. Identifiers: MedGen C0950123, MeSH D030342.

Submissions (2):

Ambry Genetics
Classification: Uncertain significance for Inborn genetic diseases. Last evaluated: 2024-10-04. Review status: criteria provided, single submitter. Criteria: Ambry Variant Classification Scheme 2023. Collection method: clinical testing. Allele origin: germline.

Labcorp Genetics (formerly Invitae), Labcorp
Classification: Uncertain significance for Neonatal-onset encephalopathy with rigidity and seizures. Last evaluated: 2022-05-05. Review status: criteria provided, single submitter. Criteria: Invitae Variant Classification Sherloc (09022015). Collection method: clinical testing. Allele origin: germline.
Comment: In summary, the available evidence is currently insufficient to determine the role of this variant in disease. Therefore, it has been classified as a Variant of Uncertain Significance. Algorithms developed to predict the effect of missense changes on protein structure and function (SIFT, PolyPhen-2, Align-GVGD) all suggest that this variant is likely to be disruptive. ClinVar contains an entry for this variant (Variation ID: 569411). This variant has not been reported in the literature in individuals affected with BRAT1-related conditions. This variant is not present in population databases (gnomAD no frequency). This sequence change replaces proline, which is neutral and non-polar, with serine, which is neutral and polar, at codon 10 of the BRAT1 protein (p.Pro10Ser).